The following is an entry in ClinVar:

ClinVar aggregate classification (germline): Uncertain significance (1 of 4 stars; one submission).

Submission:

Labcorp Genetics (formerly Invitae), Labcorp
Classification: Uncertain significance. Last evaluated: 2024-11-27. Review status: criteria provided, single submitter. Criteria: Invitae Variant Classification Sherloc (09022015). Collection method: clinical testing. Allele origin: germline.
Comment: This sequence change replaces serine, which is neutral and polar, with arginine, which is basic and polar, at codon 347 of the TRIP4 protein (p.Ser347Arg). This variant is not present in population databases (gnomAD no frequency). This variant has not been reported in the literature in individuals affected with TRIP4-related conditions. Invitae Evidence Modeling of protein sequence and biophysical properties (such as structural, functional, and spatial information, amino acid conservation, physicochemical variation, residue mobility, and thermodynamic stability) indicates that this missense variant is not expected to disrupt TRIP4 protein function with a negative predictive value of 80%. In summary, the available evidence is currently insufficient to determine the role of this variant in disease. Therefore, it has been classified as a Variant of Uncertain Significance.

NM_016213.5(TRIP4):c.1041C>G (p.Ser347Arg)

Gene: TRIP4 (thyroid hormone receptor interactor 4; plus strand). Cytogenetic location: 15q22.31.
Variant type: single nucleotide variant.
Coding change: c.1041C>G on transcript NM_016213.5 (MANE Select); coding-DNA position 1041, C replaced by G.
Protein change: p.Ser347Arg; replaces serine 347 with arginine.
Molecular consequence: missense variant. On other transcripts: non-coding transcript variant (1).
Genome position (GRCh38, 1-based): chr15:64,409,826, C>G. VCF-style: chr15-64409826-C-G. GRCh37 (hg19) VCF-style: chr15-64702025-C-G.
Other names: c.351C>G, p.Ser117Arg (NM_001321924.2); short protein forms S347R, S117R.
Identifiers: ClinVar variation 3711997 (VCV003711997.2).